The following is an entry in ClinVar:

NC_000003.11:g.(?_171320868)_(171360699_?)del

Gene: PLD1 (phospholipase D1; minus strand). Cytogenetic location: 3q26.31.
Variant type: Deletion.
Identifiers: ClinVar variation 1462666 (VCV001462666.6).

ClinVar aggregate classification (germline): Uncertain significance (1 of 4 stars; one submission).

Submission:

Labcorp Genetics (formerly Invitae), Labcorp
Classification: Uncertain significance. Last evaluated: 2021-03-22. Review status: criteria provided, single submitter. Criteria: Invitae Variant Classification Sherloc (09022015). Collection method: clinical testing. Allele origin: germline.
Comment: In summary, the available evidence is currently insufficient to determine the role of this variant in disease. Therefore, it has been classified as a Variant of Uncertain Significance. This variant has not been reported in the literature in individuals with PLD1-related conditions. This variant is a gross deletion of the genomic region encompassing exon(s) 23-27 of the PLD1 gene. The 5' boundary is likely confined to intron 22. The 3' end of this event is unknown as it extends through the termination codon beyond the assayed region for this gene and may encompass additional genes. While this deletion is not anticipated to lead to nonsense mediated decay, it is expected to alter mRNA translation or result in a truncated protein product.